The following is an entry in ClinVar:

NM_002972.4(SBF1):c.5008C>T (p.Arg1670Trp)

Gene: SBF1 (SET binding factor 1; minus strand). Cytogenetic location: 22q13.33.
Variant type: single nucleotide variant.
Coding change: c.5008C>T on transcript NM_002972.4 (MANE Select); coding-DNA position 5008, C replaced by T.
Protein change: p.Arg1670Trp; replaces arginine 1670 with tryptophan.
Molecular consequence: missense variant.
Genome position (GRCh38, 1-based): chr22:50,454,547, G>A on the plus strand (C>T on the coding strand, the complement: SBF1 is on the minus strand). VCF-style: chr22-50454547-G-A. GRCh37 (hg19) VCF-style: chr22-50892976-G-A.
Other names: c.4933C>T, p.Arg1645Trp (NM_001365819.1); c.5008C>T (NM_002972.2); short protein forms R1645W, R1670W.
Identifiers: ClinVar variation 1330613 (VCV001330613.8), dbSNP rs1158592167, ClinGen allele CA412191125.
Genomic context (GRCh38, chr22:50,454,547, plus strand): 5'-GACCCTGCTCTGGGATCACACGCACCTCCAGCAGGCGTGAGATGGCGTCAGGCTGGGCCC[G>A]CGGGCAGCTGTCGTAACAGGGCCACACCACGCGGCGCCTGCTCTGGGGAGCGCCTCCATC-3'
Protein context (NP_002963.2, residues 1660-1680): VVWPCYDSCP[Arg1670Trp]AQPDAISRLL

ClinVar aggregate classification (germline): Uncertain significance. Review status: criteria provided, multiple submitters, no conflicts (2 of 4 stars). 2 submissions from 2 submitters: Uncertain significance (2). Last evaluated 2025-09-01.

Conditions:
Charcot-Marie-Tooth disease type 4B3. Also called: Charcot-Marie-Tooth Neuropathy Type 4B3; CHARCOT-MARIE-TOOTH DISEASE, DEMYELINATING, TYPE 4B3. Identifiers: Orphanet 363981, MedGen C3695063, MONDO:0014117, OMIM 615284.

Allele frequency attached by ClinVar (database versions not stated): TOPMed 0.00003.
gnomAD v4.1: 51 of 1,610,988 alleles (0.0032%); highest among the groups gnomAD compares: East Asian, 0.0045%; no homozygotes.

Submissions (2):

Ambry Genetics
Classification: Uncertain significance. Last evaluated: 2025-09-01. Review status: criteria provided, single submitter. Criteria: Ambry Variant Classification Scheme 2023. Collection method: clinical testing. Allele origin: germline.

ARUP Laboratories, Molecular Genetics and Genomics, ARUP Laboratories
Classification: Uncertain significance for Charcot-Marie-Tooth disease type 4B3. Last evaluated: 2021-09-08. Review status: criteria provided, single submitter. Criteria: ARUP Molecular Germline Variant Investigation Process 2021. Collection method: clinical testing. Allele origin: germline.
Comment: The SBF1 c.5008C>T; p.Arg1670Trp variant (rs1158592167), to our knowledge, is not reported in the medical literature or gene specific databases. This variant is also absent from the Genome Aggregation Database, indicating it is not a common polymorphism. The arginine at codon 1670 is moderately conserved, and computational analyses are uncertain whether this variant is neutral or deleterious (REVEL: 0.436). Due to limited information, the clinical significance of the SBF1 c.5008C>T; p.Arg1670Trp variant is uncertain at this time.